The following is an entry in ClinVar:

ClinVar aggregate classification (germline): Pathogenic. Review status: criteria provided, multiple submitters, no conflicts (2 of 4 stars). 4 submissions from 4 submitters: Pathogenic (4). Last evaluated 2025-12-08.

Conditions:
SDCCAG8-related disorder. Also called: SDCCAG8-Related Disorders; SDCCAG8-related condition.
Bardet-Biedl syndrome 16 (BBS16). Identifiers: Orphanet 110, MedGen C3889474, MONDO:0014444, OMIM 615993.
Senior-Loken syndrome 7 (SLSN7). Identifiers: Orphanet 3156, MedGen C3150877, MONDO:0013326, OMIM 613615.
Bardet-Biedl syndrome (BBS). Identifiers: Orphanet 110, MedGen C0752166, MONDO:0015229.

gnomAD v4.1: 11 of 1,614,122 alleles (0.00068%); highest among the groups gnomAD compares: Non-Finnish European, 0.00085%; no homozygotes.

Submissions (4):

PreventionGenetics, part of Exact Sciences
Classification: Pathogenic for SDCCAG8-related condition. Last evaluated: 2025-12-08. Review status: criteria provided, single submitter. Criteria: ACMG Guidelines, 2015. Collection method: clinical testing. Allele origin: germline.
Comment: The SDCCAG8 c.784G>T variant is predicted to result in premature protein termination (p.Glu262*). This variant has been reported in at least two individuals with a nephronophthisis-related ciliopathy either together with second pathogenic variant or in homozygous state (Table2, Halbritter et al. 2013. PubMed ID: 23559409; Table S1, Petzold et al. 2023. PubMed ID: 37230223). This variant is reported in 0.0026% of alleles in individuals of European (Non-Finnish) descent in gnomAD. Nonsense variants in SDCCAG8 are expected to be pathogenic. This variant is interpreted as pathogenic.

Fulgent Genetics
Classification: Pathogenic for Senior-Loken syndrome 7; Bardet-Biedl syndrome 16. Last evaluated: 2024-02-24. Review status: criteria provided, single submitter. Criteria: ACMG Guidelines, 2015. Collection method: clinical testing. Allele origin: germline.

Department of Pathology and Laboratory Medicine, Sinai Health System
Classification: Pathogenic for Bardet-Biedl syndrome. Last evaluated: 2023-07-27. Review status: criteria provided, single submitter. Criteria: ACMG Guidelines, 2015. Collection method: research. Allele origin: germline.

Labcorp Genetics (formerly Invitae), Labcorp
Classification: Pathogenic for Bardet-Biedl syndrome 16; Senior-Loken syndrome 7. Last evaluated: 2020-04-01. Review status: criteria provided, single submitter. Criteria: Invitae Variant Classification Sherloc (09022015). Collection method: clinical testing. Allele origin: germline.
Comment: This sequence change creates a premature translational stop signal (p.Glu262*) in the SDCCAG8 gene. It is expected to result in an absent or disrupted protein product. For these reasons, this variant has been classified as Pathogenic. Loss-of-function variants in SDCCAG8 are known to be pathogenic (PMID: 20835237). This variant has been observed in individual(s) with clinical features of SDCCAG8-related conditions (PMID: 23559409). This variant is present in population databases (rs149038104, ExAC 0.003%).

Literature cited by the submitters: PubMed 20835237 (cited by Labcorp Genetics (formerly Invitae), Labcorp); PubMed 23559409 (cited by Labcorp Genetics (formerly Invitae), Labcorp).

NM_006642.5(SDCCAG8):c.784G>T (p.Glu262Ter)

Gene: SDCCAG8 (SHH signaling and ciliogenesis regulator SDCCAG8; plus strand). Cytogenetic location: 1q43.
Variant type: single nucleotide variant.
Coding change: c.784G>T on transcript NM_006642.5 (MANE Select); coding-DNA position 784, G replaced by T.
Protein change: p.Glu262Ter; replaces glutamic acid 262 with a stop codon.
Molecular consequence: nonsense. On other transcripts: 5 prime UTR variant (3).
Genome position (GRCh38, 1-based): chr1:243,308,032, G>T. VCF-style: chr1-243308032-G-T. GRCh37 (hg19) VCF-style: chr1-243471334-G-T.
Other names: c.490G>T, p.Glu164Ter (NM_001350249.2); c.-120G>T (NM_001350251.2, NM_001350246.2, NM_001350247.2); c.880G>T, p.Glu294Ter (NM_001350248.2); c.784G>T (NM_006642.3); short protein forms E164*, E262*, E294*.
Identifiers: ClinVar variation 1070303 (VCV001070303.13), dbSNP rs149038104, ClinGen allele CA1483447.
Genomic context (GRCh38, chr1:243,308,032, plus strand): 5'-TTTCACCCTCTTTTTAGGAACGACTTAGCTGAATATCAGAGAACTTGTGAAGATCTTAAA[G>T]AGCAACTAAAGCATAAAGAATTTCTTCTGGCTGCTAATACTTGTAACCGTGTTGGTGGTC-3'